The following is an entry in ClinVar:

NM_001127222.2(CACNA1A):c.1471A>C (p.Thr491Pro)

Gene: CACNA1A (calcium voltage-gated channel subunit alpha1 A; minus strand). Cytogenetic location: 19p13.13.
Variant type: single nucleotide variant.
Coding change: c.1471A>C on transcript NM_001127222.2 (MANE Select); coding-DNA position 1471, A replaced by C.
Protein change: p.Thr491Pro; replaces threonine 491 with proline.
Molecular consequence: missense variant.
Genome position (GRCh38, 1-based): chr19:13,317,196, T>G on the plus strand (A>C on the coding strand, the complement: CACNA1A is on the minus strand). VCF-style: chr19-13317196-T-G. GRCh37 (hg19) VCF-style: chr19-13428010-T-G.
Other names: c.1474A>C, p.Thr492Pro (NM_000068.4, NM_001127221.2, NM_001174080.2 and 1 more transcripts); short protein forms T491P, T492P.
Identifiers: ClinVar variation 2028292 (VCV002028292.4), dbSNP rs776209937, ClinGen allele CA404345733.
Genomic context (GRCh38, chr19:13,317,196, plus strand): 5'-GCTGGTTGTAGTGAACAATAGCAACACACAGCGTGTTGAGAGCTACCAAACTGAGTACAG[T>G]CCAGTAGAAGGCCTGAGTTTTGACCATGCGGCGGATGTAGAAACGCATCCTCCTCTCCTT-3'
Protein context (NP_001120694.1, residues 481-501): RMVKTQAFYW[Thr491Pro]VLSLVALNTL

ClinVar aggregate classification (germline): Uncertain significance (1 of 4 stars; one submission).

Conditions:
Episodic ataxia type 2 (EA2). Also called: ATAXIA, EPISODIC, WITH NYSTAGMUS; ATAXIA, FAMILIAL PAROXYSMAL; CEREBELLAR ATAXIA, PAROXYSMAL, ACETAZOLAMIDE-RESPONSIVE; CEREBELLOPATHY, HEREDITARY PAROXYSMAL; ACETAZOLAMIDE-RESPONSIVE HEREDITARY PAROXYSMAL CEREBELLAR ATAXIA; EPISODIC ATAXIA, NYSTAGMUS-ASSOCIATED. Identifiers: Orphanet 97, MedGen C1720416, MONDO:0007163, OMIM 108500.
Developmental and epileptic encephalopathy, 42 (DEE42A). Also called: Epileptic encephalopathy, early infantile, 42; DEVELOPMENTAL AND EPILEPTIC ENCEPHALOPATHY 42A; EPILEPTIC ENCEPHALOPATHY, EARLY INFANTILE, 42A. Identifiers: MedGen C4310716, MONDO:0014917, OMIM 617106.

Submission:

Labcorp Genetics (formerly Invitae), Labcorp
Classification: Uncertain significance for Developmental and epileptic encephalopathy, 42; Episodic ataxia type 2. Last evaluated: 2022-08-31. Review status: criteria provided, single submitter. Criteria: Invitae Variant Classification Sherloc (09022015). Collection method: clinical testing. Allele origin: germline.
Comment: This variant has not been reported in the literature in individuals affected with CACNA1A-related conditions. This variant is not present in population databases (gnomAD no frequency). This sequence change replaces threonine, which is neutral and polar, with proline, which is neutral and non-polar, at codon 492 of the CACNA1A protein (p.Thr492Pro). In summary, the available evidence is currently insufficient to determine the role of this variant in disease. Therefore, it has been classified as a Variant of Uncertain Significance. Advanced modeling of protein sequence and biophysical properties (such as structural, functional, and spatial information, amino acid conservation, physicochemical variation, residue mobility, and thermodynamic stability) performed at Invitae indicates that this missense variant is expected to disrupt CACNA1A protein function.